The following is an entry in ClinVar:

NM_014989.7(RIMS1):c.*283A>G

Gene: RIMS1 (regulating synaptic membrane exocytosis 1; plus strand). Cytogenetic location: 6q13.
Variant type: single nucleotide variant.
Coding change: c.*283A>G on transcript NM_014989.7 (MANE Select); 283 bases downstream of the stop codon, A replaced by G.
Molecular consequence: 3 prime UTR variant.
Genome position (GRCh38, 1-based): chr6:72,400,997, A>G. VCF-style: chr6-72400997-A-G. GRCh37 (hg19) VCF-style: chr6-73110699-A-G.
Other names: c.*283A>G (NM_001168407.2, NM_001168408.2, NM_001168409.2 and 60 more transcripts).
Identifiers: ClinVar variation 357870 (VCV000357870.5), dbSNP rs140634975, ClinGen allele CA10627491.

ClinVar aggregate classification (germline): Benign (1 of 4 stars; one submission).

Conditions:
Cone-rod dystrophy 7 (CORD7). Identifiers: Orphanet 1872, MedGen C1863634, MONDO:0011355, OMIM 603649.

Allele frequency attached by ClinVar (database versions not stated): TOPMed 0.00196; 1000 Genomes Project 0.00060; gnomAD 0.00167 and 0.00168; gnomAD exomes 0.00227; 1000 Genomes Project 30x 0.00047.
gnomAD v4.1: 745 of 363,854 alleles (0.2%); highest among the groups gnomAD compares: Non-Finnish European, 0.33%; 2 homozygotes.

Submission:

Illumina Laboratory Services, Illumina
Classification: Benign for Cone-rod dystrophy 7. Last evaluated: 2018-01-12. Review status: criteria provided, single submitter. Criteria: ICSL Variant Classification Criteria 13 December 2019. Collection method: clinical testing. Allele origin: germline.
Comment: This variant was observed in the ICSL laboratory as part of a predisposition screen in an ostensibly healthy population. It had not been previously curated by ICSL or reported in the Human Gene Mutation Database (HGMD: prior to June 1st, 2018), and was therefore a candidate for classification through an automated scoring system. Utilizing variant allele frequency, disease prevalence and penetrance estimates, and inheritance mode, an automated score was calculated to assess if this variant is too frequent to cause the disease. Based on the score and internal cut-off values, a variant classified as benign is not then subjected to further curation. The score for this variant resulted in a classification of benign for this disease.